The following is an entry in ClinVar:

NM_182925.5(FLT4):c.2951G>A (p.Arg984Gln)

Gene: FLT4 (fms related receptor tyrosine kinase 4; minus strand). Cytogenetic location: 5q35.3.
Variant type: single nucleotide variant.
Coding change: c.2951G>A on transcript NM_182925.5 (MANE Select); coding-DNA position 2951, G replaced by A.
Protein change: p.Arg984Gln; replaces arginine 984 with glutamine.
Molecular consequence: missense variant.
Genome position (GRCh38, 1-based): chr5:180,618,820, C>T on the plus strand (G>A on the coding strand, the complement: FLT4 is on the minus strand). VCF-style: chr5-180618820-C-T. GRCh37 (hg19) VCF-style: chr5-180045820-C-T.
Other names: c.2951G>A (NM_182925.4); c.2951G>A, p.Arg984Gln (NM_001354989.2, NM_002020.5); short protein forms R984Q.
Identifiers: ClinVar variation 698152 (VCV000698152.22), dbSNP rs143163262, ClinGen allele CA3606060.
Genomic context (GRCh38, chr5:180,618,820, plus strand): 5'-AGGCTCTCACCTTCTTGGTCTGGAGAAGCCCGCCTCGCTCCGCCCTCGGTCTTCGAGAAC[C>T]GCGCGAAGAGGACCCTGTCGCTGCTCCCCGGCCGCCTCCGATCCAGCCTGGCGAGCTCCA-3'
Protein context (NP_891555.2, residues 974-994): PGSSDRVLFA[Arg984Gln]FSKTEGGARR

ClinVar aggregate classification (germline): Conflicting classifications of pathogenicity. Review status: criteria provided, conflicting classifications (1 of 4 stars). 6 submissions from 6 submitters: Uncertain significance (1); Likely benign (4). 1 of the submissions does not count toward it. Last evaluated 2025-05-06.

Conditions:
Inborn genetic diseases. Identifiers: MedGen C0950123, MeSH D030342.
FLT4-related disorder. Also called: FLT4-related condition.

Allele frequency attached by ClinVar (database versions not stated): gnomAD exomes 0.00008 and 0.00012; ExAC 0.00033; gnomAD 0.00054 and 0.00065; TOPMed 0.00057; ESP Exome Variant Server 0.00093.

Submissions (6):

Ambry Genetics
Classification: Uncertain significance for Inborn genetic diseases. Last evaluated: 2025-05-06. Review status: criteria provided, single submitter. Criteria: Ambry Variant Classification Scheme 2023. Collection method: clinical testing. Allele origin: germline.

CeGaT Center for Human Genetics Tuebingen
Classification: Likely benign. Last evaluated: 2024-08-01. Review status: criteria provided, single submitter. Criteria: CeGaT Center For Human Genetics Tuebingen Variant Classification Criteria Version 2. Collection method: clinical testing. Allele origin: germline. Affected: yes. Observed: 1 variant allele.
Comment: FLT4: BS1

Blueprint Genetics
Classification: Likely benign. Last evaluated: 2024-03-13. Review status: criteria provided, single submitter. Criteria: ACMG Guidelines, 2015. Collection method: clinical testing. Allele origin: germline.

Labcorp Genetics (formerly Invitae), Labcorp
Classification: Likely benign. Last evaluated: 2018-09-11. Review status: criteria provided, single submitter. Criteria: Invitae Variant Classification Sherloc (09022015). Collection method: clinical testing. Allele origin: germline.

Breakthrough Genomics
Classification: Likely benign. Review status: criteria provided, single submitter. Criteria: ACMG Guidelines, 2015. Collection method: not provided. Allele origin: germline. Inheritance: Autosomal dominant inheritance. Affected: yes.

PreventionGenetics, part of Exact Sciences
Classification: Likely benign for FLT4-related condition. Last evaluated: 2023-01-23. Review status: no assertion criteria provided. Collection method: clinical testing. Allele origin: germline. Not counted in ClinVar's aggregate classification.
Comment: This variant is classified as likely benign based on ACMG/AMP sequence variant interpretation guidelines (Richards et al. 2015 PMID: 25741868, with internal and published modifications).